The following is an entry in ClinVar:

ClinVar aggregate classification (germline): Pathogenic (1 of 4 stars; one submission).

Conditions:
Vici syndrome (VICIS). Identifiers: Orphanet 1493, MedGen C1855772, MONDO:0009452, OMIM 242840.

gnomAD v4.1: 1 of 1,613,866 alleles (0.000062%); highest among the groups gnomAD compares: Middle Eastern, 0.016%; no homozygotes.

Submission:

Broad Center for Mendelian Genomics, Broad Institute of MIT and Harvard
Classification: Pathogenic for Vici syndrome. Last evaluated: 2023-05-02. Review status: criteria provided, single submitter. Criteria: ACMG Guidelines, 2015. Collection method: curation. Allele origin: germline. Inheritance: Autosomal recessive inheritance.
Comment: The variant has been previously reported in one homozygous individual with Vici syndrome (Abd Elmaksoud, M., Abeesh, A.A., Pereira, C. et al., 2020). This variant was absent from large population studies. This variant is located in the 5' splice region. Computational tools predict a splicing impact, though this information is not predictive enough to determine pathogenicity. A different nucleotide change that also results in a splice donor variant at the same site, c.1252+1G>T, has been reported pathogenic in ClinVar (Variation ID: 803490), and the variant being assessed here, c.1252+1G>A, is predicted by SpliceAI to have a similar effect on splicing. Loss of function of the EPG5 gene is an established disease mechanism in autosomal recessive Vici syndrome. In summary, this variant meets criteria to be classified as pathogenic for autosomal recessive Vici syndrome. ACMG/AMP Criteria applied: PVS1, PS1_Supporting, PM2_Supporting, PM3_Supporting (Richards 2015).

NM_020964.3(EPG5):c.1252+1G>A

Gene: EPG5 (ectopic P-granules 5 autophagy tethering factor; minus strand). Cytogenetic location: 18q21.1.
Variant type: single nucleotide variant.
Coding change: c.1252+1G>A on transcript NM_020964.3 (MANE Select); the canonical splice donor site of the intron after coding-DNA position 1252, G replaced by A.
Molecular consequence: splice donor variant.
Genome position (GRCh38, 1-based): chr18:45,952,399, C>T on the plus strand (G>A on the coding strand, the complement: EPG5 is on the minus strand). VCF-style: chr18-45952399-C-T. GRCh37 (hg19) VCF-style: chr18-43532365-C-T.
Other names: NM_020964.3:c.1252+1G>A; c.1252+1G>A (NM_001410858.1, NM_001410859.1).
Identifiers: ClinVar variation 2500955 (VCV002500955.1), dbSNP rs763788808, ClinGen allele CA402349805.